The following is an entry in ClinVar:

ClinVar aggregate classification (germline): Uncertain significance (1 of 4 stars; one submission).

Conditions:
Malignant hyperthermia, susceptibility to, 1 (MHS1). Also called: RYR1-Related Malignant Hyperthermia Susceptibility; Malignant hyperthermia suceptibility 1; Anesthesia related hyperthermia; Malignant hyperpyrexia; Fulminating hyperpyrexia; Pharmacogenic myopathy. Identifiers: Orphanet 423, MedGen C2930980, MONDO:0007783, OMIM 145600.

Submission:

Color Diagnostics, LLC DBA Color Health
Classification: Uncertain significance for Malignant hyperthermia, susceptibility to, 1. Last evaluated: 2025-09-19. Review status: criteria provided, single submitter. Criteria: ACMG Guidelines, 2015. Collection method: clinical testing. Allele origin: germline.
Comment: This missense variant replaces serine with leucine at codon 3600 of the RYR1 protein. Computational prediction suggests that this variant may have deleterious impact on protein structure and function. To our knowledge, functional studies have not been reported for this variant. This variant has not been reported in individuals affected with RYR1-related disorders in the literature. This variant has been identified in 1/251126 chromosomes in the general population by the Genome Aggregation Database (gnomAD). The available evidence is insufficient to determine the role of this variant in disease conclusively. Therefore, this variant is classified as a Variant of Uncertain Significance.

NM_000540.3(RYR1):c.10799C>T (p.Ser3600Leu)

Gene: RYR1 (ryanodine receptor 1; plus strand). Cytogenetic location: 19q13.2.
Variant type: single nucleotide variant.
Coding change: c.10799C>T on transcript NM_000540.3 (MANE Select); coding-DNA position 10799, C replaced by T.
Protein change: p.Ser3600Leu; replaces serine 3600 with leucine.
Molecular consequence: missense variant.
Genome position (GRCh38, 1-based): chr19:38,527,759, C>T. VCF-style: chr19-38527759-C-T. GRCh37 (hg19) VCF-style: chr19-39018399-C-T.
Other names: c.10784C>T, p.Ser3595Leu (NM_001042723.2); short protein forms S3595L, S3600L.
Identifiers: ClinVar variation 4756325 (VCV004756325.1).